The following is an entry in ClinVar:

ClinVar aggregate classification (germline): Pathogenic (1 of 4 stars; one submission).

Submission:

Labcorp Genetics (formerly Invitae), Labcorp
Classification: Pathogenic. Last evaluated: 2022-07-14. Review status: criteria provided, single submitter. Criteria: Invitae Variant Classification Sherloc (09022015). Collection method: clinical testing. Allele origin: germline.
Comment: This sequence change creates a premature translational stop signal (p.Gly1234Trpfs*9) in the COL27A1 gene. It is expected to result in an absent or disrupted protein product. Loss-of-function variants in COL27A1 are known to be pathogenic (PMID: 24986830, 28276056). The frequency data for this variant in the population databases is considered unreliable, as metrics indicate poor data quality at this position in the gnomAD database. This variant has not been reported in the literature in individuals affected with COL27A1-related conditions. For these reasons, this variant has been classified as Pathogenic.

Literature cited by the submitters: PubMed 24986830; PubMed 28276056.

NM_032888.4(COL27A1):c.3698dup (p.Gly1234fs)

Gene: COL27A1 (collagen type XXVII alpha 1 chain; plus strand). Cytogenetic location: 9q32.
Variant type: Duplication.
Coding change: c.3698dup on transcript NM_032888.4 (MANE Select); coding-DNA position 3698, one base duplicated (C; older notation c.3698dupC).
Protein change: p.Gly1234fs; shifts the reading frame from glycine 1234.
Molecular consequence: frameshift variant.
Genome position (GRCh38, 1-based): chr9:114,275,749, C duplicated; the last of 6 consecutive C bases (chr9:114,275,744-114,275,749); duplicating any one gives the same sequence. VCF-style (leftmost placement, unchanged base first): chr9-114275743-G-GC. GRCh37 (hg19) VCF-style: chr9-117038023-G-GC.
Other names: short protein forms G1234fs.
Identifiers: ClinVar variation 2017061 (VCV002017061.4), dbSNP rs1213672903, ClinGen allele CA590132854.
Genomic context (GRCh38, chr9:114,275,743, plus strand): 5'-CTGATGGAGAACATGGCGAGAAAGGCCAGGAAGGGCTGATGGGTGAGGACGGGCCCCCCG[G>GC]CCCCCCTGGCGTCACTGGTGTCCGGGTGAGTGTGCAGGCCCCTTGCAGCGCCTGGAGCTC-3'